The following is an entry in ClinVar:

NM_006147.4(IRF6):c.62G>A (p.Gly21Asp)

Gene: IRF6 (interferon regulatory factor 6; minus strand). Cytogenetic location: 1q32.2.
Variant type: single nucleotide variant.
Coding change: c.62G>A on transcript NM_006147.4 (MANE Select); coding-DNA position 62, G replaced by A.
Protein change: p.Gly21Asp; replaces glycine 21 with aspartic acid.
Molecular consequence: missense variant. On other transcripts: intron variant (1).
Genome position (GRCh38, 1-based): chr1:209,801,352, C>T on the plus strand (G>A on the coding strand, the complement: IRF6 is on the minus strand). VCF-style: chr1-209801352-C-T. GRCh37 (hg19) VCF-style: chr1-209974697-C-T.
Other names: c.-112+4595G>A (NM_001206696.2); short protein forms G21D.
Identifiers: ClinVar variation 3061358 (VCV003061358.2), dbSNP rs2464694696, ClinGen allele CA344585906.
Genomic context (GRCh38, chr1:209,801,352, plus strand): 5'-TTCCAGGGAATCTGGAAGCGTTTAGAGTCCCTGTGTAGCCAGATGAGCCCAGGGTAGAGG[C>T]CACTATCCACCTGGGCCACCAGCCAGGGCTTTAGCCGGACTCTGCGGGGGTGGAGGGCCA-3'
Protein context (NP_006138.1, residues 11-31): KPWLVAQVDS[Gly21Asp]LYPGLIWLHR

ClinVar aggregate classification (germline): Uncertain significance (0 of 4 stars; one submission).

Conditions:
IRF6-related condition. Also called: IRF6-related disorder; IRF6-Related Disorders. Identifiers: MedGen CN378148, MONDO:1040010.

Submission:

PreventionGenetics, part of Exact Sciences
Classification: Uncertain significance for IRF6-related condition. Last evaluated: 2024-08-05. Review status: no assertion criteria provided. Collection method: clinical testing. Allele origin: germline.
Comment: The IRF6 c.62G>A variant is predicted to result in the amino acid substitution p.Gly21Asp. To our knowledge, this variant has not been reported in the literature or in a large population database, indicating this variant is rare. At this time, the clinical significance of this variant is uncertain due to the absence of conclusive functional and genetic evidence.